The following is an entry in ClinVar:

ClinVar aggregate classification (germline): Uncertain significance. Review status: criteria provided, single submitter (1 of 4 stars). 2 submissions from 2 submitters: Uncertain significance (1). 1 of the submissions does not count toward it. Last evaluated 2026-03-03.

Conditions:
VPS13B-related disorder. Also called: VPS13B-related condition.
Cohen syndrome (COH1). Also called: PEPPER SYNDROME; Cutis verticis gyrata, retinitis pigmentosa, and sensorineural deafness. Identifiers: Orphanet 193, MedGen C0265223, MONDO:0008999, OMIM 216550.

gnomAD v4.1: 5 of 1,614,044 alleles (0.00031%); highest among the groups gnomAD compares: Non-Finnish European, 0.00042%; no homozygotes.

Submissions (2):

PreventionGenetics, part of Exact Sciences
Classification: Uncertain significance for VPS13B-related condition. Last evaluated: 2026-03-03. Review status: criteria provided, single submitter. Criteria: ACMG Guidelines, 2015. Collection method: clinical testing. Allele origin: germline.
Comment: The VPS13B c.2602T>G variant is predicted to result in the amino acid substitution p.Cys868Gly. To our knowledge, this variant has not been reported in the literature. This variant is reported in 0.0031% of alleles in individuals of European (Non-Finnish) descent in gnomAD. At this time, the clinical significance of this variant is uncertain due to the absence of conclusive functional and genetic evidence.

Natera, Inc.
Classification: Uncertain significance for Cohen syndrome. Last evaluated: 2025-03-17. Review status: no assertion criteria provided. Collection method: clinical testing. Allele origin: germline. Not counted in ClinVar's aggregate classification.

NM_152564.5(VPS13B):c.2602T>G (p.Cys868Gly)

Gene: VPS13B (vacuolar protein sorting 13 homolog B; plus strand). Cytogenetic location: 8q22.2.
Variant type: single nucleotide variant.
Coding change: c.2602T>G on transcript NM_152564.5 (MANE Select); coding-DNA position 2602, T replaced by G.
Protein change: p.Cys868Gly; replaces cysteine 868 with glycine.
Molecular consequence: missense variant.
Genome position (GRCh38, 1-based): chr8:99,274,284, T>G. VCF-style: chr8-99274284-T-G. GRCh37 (hg19) VCF-style: chr8-100286512-T-G.
Other names: c.2602T>G, p.Cys868Gly (NM_017890.5); short protein forms C868G.
Identifiers: ClinVar variation 4063181 (VCV004063181.2).